The following is an entry in ClinVar:

ClinVar aggregate classification (germline): Uncertain significance. Review status: criteria provided, multiple submitters, no conflicts (2 of 4 stars). 2 submissions from 2 submitters: Uncertain significance (2). Last evaluated 2025-11-24.

Conditions:
Cardiovascular phenotype. Identifiers: MedGen CN230736.
Progressive familial heart block type IB (PFHB1B). Identifiers: Orphanet 871, MedGen C1970298, MONDO:0011474, OMIM 604559.

Allele frequency attached by ClinVar (database versions not stated): ExAC below 0.00001; gnomAD exomes 0.00001 and 0.00002; gnomAD 0.00008 and 0.00009; TOPMed 0.00009.
gnomAD v4.1: 19 of 1,592,844 alleles (0.0012%); highest among the groups gnomAD compares: Admixed American, 0.034%; no homozygotes.

Submissions (2):

Ambry Genetics
Classification: Uncertain significance for Cardiovascular phenotype. Last evaluated: 2025-11-24. Review status: criteria provided, single submitter. Criteria: Ambry Variant Classification Scheme 2023. Collection method: clinical testing. Allele origin: germline.
Comment: The p.P1201L variant (also known as c.3602C>T), located in coding exon 24 of the TRPM4 gene, results from a C to T substitution at nucleotide position 3602. The proline at codon 1201 is replaced by leucine, an amino acid with similar properties. This amino acid position is conserved. In addition, this alteration is predicted to be tolerated by in silico analysis. Since supporting evidence is limited at this time, the clinical significance of this alteration remains unclear.

Labcorp Genetics (formerly Invitae), Labcorp
Classification: Uncertain significance for Progressive familial heart block type IB. Last evaluated: 2025-09-01. Review status: criteria provided, single submitter. Criteria: Invitae Variant Classification Sherloc (09022015). Collection method: clinical testing. Allele origin: germline.
Comment: This sequence change replaces proline, which is neutral and non-polar, with leucine, which is neutral and non-polar, at codon 1201 of the TRPM4 protein (p.Pro1201Leu). The frequency data for this variant in the population databases is considered unreliable, as metrics indicate poor data quality at this position in the gnomAD database. This variant has not been reported in the literature in individuals affected with TRPM4-related conditions. ClinVar contains an entry for this variant (Variation ID: 835027). An algorithm developed to predict the effect of missense changes on protein structure and function (PolyPhen-2) suggests that this variant is likely to be disruptive. In summary, the available evidence is currently insufficient to determine the role of this variant in disease. Therefore, it has been classified as a Variant of Uncertain Significance.

NM_017636.4(TRPM4):c.3602C>T (p.Pro1201Leu)

Gene: TRPM4 (transient receptor potential cation channel subfamily M member 4; plus strand). Cytogenetic location: 19q13.33.
Variant type: single nucleotide variant.
Coding change: c.3602C>T on transcript NM_017636.4 (MANE Select); coding-DNA position 3602, C replaced by T.
Protein change: p.Pro1201Leu; replaces proline 1201 with leucine.
Molecular consequence: missense variant.
Genome position (GRCh38, 1-based): chr19:49,211,231, C>T. VCF-style: chr19-49211231-C-T. GRCh37 (hg19) VCF-style: chr19-49714488-C-T.
Other names: c.3167C>T, p.Pro1056Leu (NM_001195227.2); c.3257C>T, p.Pro1086Leu (NM_001321281.2); c.1994C>T, p.Pro665Leu (NM_001321282.2); c.3080C>T, p.Pro1027Leu (NM_001321283.2); c.2540C>T, p.Pro847Leu (NM_001321285.2); short protein forms P665L, P1027L, P1201L, P847L, P1056L, P1086L.
Identifiers: ClinVar variation 835027 (VCV000835027.11), dbSNP rs773147035, ClinGen allele CA9569980.
Genomic context (GRCh38, chr19:49,211,231, plus strand): 5'-AGTGTAGCCGCGTCCTGGGGTGGGTGGCCGAGGCCCTGAGCCGCTCTGCCTTGCTGCCCC[C>T]AGGTGGGCCGCCACCCCCTGACCTGCCTGGGTCCAAAGGTCAGTGTGTAGCATCAGCCTG-3'
Protein context (NP_060106.2, residues 1191-1211): EALSRSALLP[Pro1201Leu]GGPPPPDLPG